The following is an entry in ClinVar:

NM_001737.5(C9):c.850T>A (p.Leu284Met)

Gene: C9 (complement C9; minus strand). Cytogenetic location: 5p13.1.
Variant type: single nucleotide variant.
Coding change: c.850T>A on transcript NM_001737.5 (MANE Select); coding-DNA position 850, T replaced by A.
Protein change: p.Leu284Met; replaces leucine 284 with methionine.
Molecular consequence: missense variant.
Genome position (GRCh38, 1-based): chr5:39,315,795, A>T on the plus strand (T>A on the coding strand, the complement: C9 is on the minus strand). VCF-style: chr5-39315795-A-T. GRCh37 (hg19) VCF-style: chr5-39315897-A-T.
Other names: c.850T>A (NM_001737.3); short protein forms L284M.
Identifiers: ClinVar variation 1396919 (VCV001396919.7), dbSNP rs149201228, ClinGen allele CA3246882.
Genomic context (GRCh38, chr5:39,315,795, plus strand): 5'-GGAACCTTTCTATATTCCTATATTAACTGTTTTGTCTTACCTTCTTTGAAGAATATGACA[A>T]AAATAGTTGGTAAGTTTCATTTTTGGAATATGAAAACCGAAAACTACCCTTGCCATGTAA-3'
Protein context (NP_001728.1, residues 274-294): YSKNETYQLF[Leu284Met]SYSSKKEKMF

ClinVar aggregate classification (germline): Uncertain significance. Review status: criteria provided, multiple submitters, no conflicts (2 of 4 stars). 4 submissions from 4 submitters: Uncertain significance (4). Last evaluated 2025-08-03.

Conditions:
Inborn genetic diseases. Identifiers: MedGen C0950123, MeSH D030342.

Allele frequency attached by ClinVar (database versions not stated): gnomAD 0.00011; TOPMed 0.00012; gnomAD exomes 0.00013 and 0.00016; ExAC 0.00014; ESP Exome Variant Server 0.00023; 1000 Genomes Project 30x 0.00031.

Submissions (4):

Ambry Genetics
Classification: Uncertain significance for Inborn genetic diseases. Last evaluated: 2025-08-03. Review status: criteria provided, single submitter. Criteria: Ambry Variant Classification Scheme 2023. Collection method: clinical testing. Allele origin: germline.

Blueprint Genetics
Classification: Uncertain significance. Last evaluated: 2024-11-08. Review status: criteria provided, single submitter. Criteria: ACMG Guidelines, 2015. Collection method: clinical testing. Allele origin: germline.

Labcorp Genetics (formerly Invitae), Labcorp
Classification: Uncertain significance. Last evaluated: 2022-10-05. Review status: criteria provided, single submitter. Criteria: Invitae Variant Classification Sherloc (09022015). Collection method: clinical testing. Allele origin: germline.
Comment: This sequence change replaces leucine, which is neutral and non-polar, with methionine, which is neutral and non-polar, at codon 284 of the C9 protein (p.Leu284Met). This variant is present in population databases (rs149201228, gnomAD 0.02%). This variant has not been reported in the literature in individuals affected with C9-related conditions. ClinVar contains an entry for this variant (Variation ID: 1396919). Advanced modeling of protein sequence and biophysical properties (such as structural, functional, and spatial information, amino acid conservation, physicochemical variation, residue mobility, and thermodynamic stability) has been performed at Invitae for this missense variant, however the output from this modeling did not meet the statistical confidence thresholds required to predict the impact of this variant on C9 protein function. In summary, the available evidence is currently insufficient to determine the role of this variant in disease. Therefore, it has been classified as a Variant of Uncertain Significance.

Breakthrough Genomics
Classification: Uncertain significance. Review status: criteria provided, single submitter. Criteria: ACMG Guidelines, 2015. Collection method: not provided. Allele origin: germline. Inheritance: Autosomal dominant inheritance. Affected: yes.